The following is an entry in ClinVar:

NM_006767.4(LZTR1):c.1272C>G (p.Tyr424Ter)

Gene: LZTR1 (leucine zipper like post translational regulator 1; plus strand). Cytogenetic location: 22q11.21.
Variant type: single nucleotide variant.
Coding change: c.1272C>G on transcript NM_006767.4 (MANE Select); coding-DNA position 1272, C replaced by G.
Protein change: p.Tyr424Ter; replaces tyrosine 424 with a stop codon.
Molecular consequence: nonsense.
Genome position (GRCh38, 1-based): chr22:20,993,673, C>G. VCF-style: chr22-20993673-C-G. GRCh37 (hg19) VCF-style: chr22-21347962-C-G.
Other names: short protein forms Y424*.
Identifiers: ClinVar variation 1765687 (VCV001765687.8), dbSNP rs752388008, ClinGen allele CA410774304.
Genomic context (GRCh38, chr22:20,993,673, plus strand): 5'-GGCCACCCTGCTGTCTGCAACATCTAGTCTCACTGGGCCCCTCTTGCAGTTCTCCTGTTA[C>G]CCTAAATGCACGCTGCACGAGGACTACGGGCGGCTGTGGGAGAGCCGCCAGTTCTGCGAC-3'

ClinVar aggregate classification (germline): Pathogenic/Likely pathogenic. Review status: criteria provided, multiple submitters, no conflicts (2 of 4 stars). 4 submissions from 4 submitters: Pathogenic (2); Likely pathogenic (2). Last evaluated 2026-01-28.

Conditions:
Cardiovascular phenotype. Identifiers: MedGen CN230736.
Hereditary cancer-predisposing syndrome. Also called: Neoplastic Syndromes, Hereditary; Tumor predisposition; Hereditary neoplastic syndrome; Hereditary Cancer Syndrome. Identifiers: Orphanet 140162, MedGen C0027672, MeSH D009386, MONDO:0015356.
LZTR1-related schwannomatosis. Also called: Schwannomatosis 2; Schwannomatosis-2, susceptibility to. Identifiers: Orphanet 93921, MedGen C3810283, MONDO:0014299, OMIM 615670.

Allele frequency attached by ClinVar (database versions not stated): TOPMed below 0.00001.

Submissions (4):

Labcorp Genetics (formerly Invitae), Labcorp
Classification: Pathogenic. Last evaluated: 2026-01-28. Review status: criteria provided, single submitter. Criteria: Invitae Variant Classification Sherloc (09022015). Collection method: clinical testing. Allele origin: germline.
Comment: This sequence change creates a premature translational stop signal (p.Tyr424*) in the LZTR1 gene. It is expected to result in an absent or disrupted protein product. Loss-of-function variants in LZTR1 are known to be pathogenic (PMID: 24362817, 25335493, 25480913, 25795793, 29469822, 30368668, 30442762, 30442766, 30481304, 30859559). This variant is not present in population databases (gnomAD no frequency). This variant has not been reported in the literature in individuals affected with LZTR1-related conditions. ClinVar contains an entry for this variant (Variation ID: 1765687). For these reasons, this variant has been classified as Pathogenic.

Dasa
Classification: Likely pathogenic. Last evaluated: 2025-12-31. Review status: criteria provided, single submitter. Criteria: DASA Assertion Criteria. Collection method: clinical testing. Allele origin: germline.
Comment: NM_006767.4(LZTR1):c.1272C>G (p.Tyr424*) is a nonsense variant in LZTR1 predicted to introduce a premature termination codon and is predicted to result in an absent or altered protein product. Loss of function is an established disease mechanism for LZTR1-associated disorders. Published studies describe this variant in association with related phenotype (PMID: 35361920; PMID: 30481304). Also, this variant is rare in population databases. Based on the currently available evidence, this variant is classified as likely pathogenic.

Ambry Genetics
Classification: Pathogenic for Cardiovascular phenotype; Hereditary cancer-predisposing syndrome. Last evaluated: 2025-11-14. Review status: criteria provided, single submitter. Criteria: Ambry Variant Classification Scheme 2023. Collection method: clinical testing. Allele origin: germline.
Comment: The p.Y424* variant (also known as c.1272C>G), located in coding exon 12 of the LZTR1 gene, results from a C to G substitution at nucleotide position 1272. This changes the amino acid from a tyrosine to a stop codon within coding exon 12. This alteration is expected to result in loss of function by premature protein truncation or nonsense-mediated mRNA decay. Loss-of-function variants in LZTR1 are related to an increased risk for schwannomas and autosomal recessive Noonan syndrome; however, such associations with autosomal dominant Noonan syndrome have not been observed (Piotrowski A et al. Nat Genet. 2014 Feb;46:182-7; Yamamoto GL et al. J Med Genet. 2015 Jun;52:413-21; Johnston JJ et al. Genet Med. 2018 10;20:1175-1185). Based on the supporting evidence, this variant is pathogenic for an increased risk of LZTR1-related schwannomatosis (SWN) and would be expected to cause autosomal recessive Noonan syndrome when present along with a second pathogenic or likely pathogenic variant on the other allele; however, the association of this alteration with autosomal dominant Noonan syndrome is unlikely.

Baylor Genetics
Classification: Likely pathogenic for LZTR1-related schwannomatosis. Last evaluated: 2023-09-07. Review status: criteria provided, single submitter. Criteria: ACMG Guidelines, 2015. Collection method: clinical testing. Allele origin: unknown.

Literature cited by the submitters: PubMed 24362817 (cited by Labcorp Genetics (formerly Invitae), Labcorp); PubMed 25335493 (cited by Labcorp Genetics (formerly Invitae), Labcorp); PubMed 25480913 (cited by Labcorp Genetics (formerly Invitae), Labcorp); PubMed 25795793 (cited by Labcorp Genetics (formerly Invitae), Labcorp); PubMed 29469822 (cited by Labcorp Genetics (formerly Invitae), Labcorp); PubMed 30368668 (cited by Labcorp Genetics (formerly Invitae), Labcorp); PubMed 30442762 (cited by Labcorp Genetics (formerly Invitae), Labcorp); PubMed 30442766 (cited by Labcorp Genetics (formerly Invitae), Labcorp); PubMed 30481304 (cited by Labcorp Genetics (formerly Invitae), Labcorp and Dasa); PubMed 30859559 (cited by Labcorp Genetics (formerly Invitae), Labcorp); PubMed 35361920 (cited by Dasa).